The following is an entry in ClinVar:

ClinVar aggregate classification (germline): Uncertain significance (1 of 4 stars; one submission).

Conditions:
Charcot-Marie-Tooth disease type 2. Also called: Charcot-Marie-Tooth type 2. Identifiers: Orphanet 64746, MedGen C0270914, MONDO:0018993.

gnomAD v4.1: 7 of 1,613,990 alleles (0.00043%); highest among the groups gnomAD compares: Non-Finnish European, 0.00025%; no homozygotes.

Submission:

Labcorp Genetics (formerly Invitae), Labcorp
Classification: Uncertain significance for Charcot-Marie-Tooth disease type 2. Last evaluated: 2024-11-16. Review status: criteria provided, single submitter. Criteria: Invitae Variant Classification Sherloc (09022015). Collection method: clinical testing. Allele origin: germline.
Comment: This sequence change replaces arginine, which is basic and polar, with leucine, which is neutral and non-polar, at codon 215 of the BSCL2 protein (p.Arg215Leu). This variant is present in population databases (rs142608646, gnomAD 0.0009%). This variant has not been reported in the literature in individuals affected with BSCL2-related conditions. ClinVar contains an entry for this variant (Variation ID: 1355585). Invitae Evidence Modeling of protein sequence and biophysical properties (such as structural, functional, and spatial information, amino acid conservation, physicochemical variation, residue mobility, and thermodynamic stability) indicates that this missense variant is not expected to disrupt BSCL2 protein function with a negative predictive value of 80%. In summary, the available evidence is currently insufficient to determine the role of this variant in disease. Therefore, it has been classified as a Variant of Uncertain Significance.

NM_001122955.4(BSCL2):c.836G>T (p.Arg279Leu)

Genes: BSCL2 (BSCL2 lipid droplet biogenesis associated, seipin; minus strand), HNRNPUL2-BSCL2 (HNRNPUL2-BSCL2 readthrough (NMD candidate); minus strand). Cytogenetic location: 11q12.3.
Variant type: single nucleotide variant.
Coding change: c.836G>T on transcript NM_001122955.4 (MANE Select); coding-DNA position 836, G replaced by T.
Protein change: p.Arg279Leu; replaces arginine 279 with leucine.
Molecular consequence: missense variant. On other transcripts: non-coding transcript variant (1).
Genome position (GRCh38, 1-based): chr11:62,692,403, C>A on the plus strand (G>T on the coding strand, the complement: BSCL2 is on the minus strand). VCF-style: chr11-62692403-C-A. GRCh37 (hg19) VCF-style: chr11-62459875-C-A.
Other names: c.644G>T, p.Arg215Leu (NM_001130702.2, NM_032667.6); c.836G>T, p.Arg279Leu (NM_001386027.1, NM_001386028.1); short protein forms R215L, R279L.
Identifiers: ClinVar variation 1355585 (VCV001355585.6), dbSNP rs142608646, ClinGen allele CA6053439.